The following is an entry in ClinVar:

ClinVar aggregate classification (germline): Pathogenic. Review status: criteria provided, single submitter (1 of 4 stars). 2 submissions from 2 submitters: Pathogenic (1). 1 of the submissions does not count toward it. Last evaluated 2024-04-24.

Submissions (2):

Labcorp Genetics (formerly Invitae), Labcorp
Classification: Pathogenic. Last evaluated: 2024-04-24. Review status: criteria provided, single submitter. Criteria: Invitae Variant Classification Sherloc (09022015). Collection method: clinical testing. Allele origin: germline.
Comment: This sequence change creates a premature translational stop signal (p.Gly991*) in the ABCA4 gene. It is expected to result in an absent or disrupted protein product. Loss-of-function variants in ABCA4 are known to be pathogenic (PMID: 10958761, 24938718, 25312043, 26780318). This variant is not present in population databases (gnomAD no frequency). This premature translational stop signal has been observed in individual(s) with inherited retinal disease (PMID: 14517951, 15017103). ClinVar contains an entry for this variant (Variation ID: 99183). For these reasons, this variant has been classified as Pathogenic.

Retina International
No classification provided. Review status: no classification provided. Collection method: not provided. Allele origin: not provided. Not counted in ClinVar's aggregate classification.

Literature cited by the submitters: PubMed 10958761 (cited by Labcorp Genetics (formerly Invitae), Labcorp); PubMed 24938718 (cited by Labcorp Genetics (formerly Invitae), Labcorp); PubMed 25312043 (cited by Labcorp Genetics (formerly Invitae), Labcorp); PubMed 26780318 (cited by Labcorp Genetics (formerly Invitae), Labcorp); PubMed 14517951 (cited by Labcorp Genetics (formerly Invitae), Labcorp); PubMed 15017103 (cited by Labcorp Genetics (formerly Invitae), Labcorp).

NM_000350.3(ABCA4):c.2971G>T (p.Gly991Ter)

Gene: ABCA4 (ATP binding cassette subfamily A member 4; minus strand). Cytogenetic location: 1p22.1.
Variant type: single nucleotide variant.
Coding change: c.2971G>T on transcript NM_000350.3 (MANE Select); coding-DNA position 2971, G replaced by T.
Protein change: p.Gly991Ter; replaces glycine 991 with a stop codon.
Molecular consequence: nonsense.
Genome position (GRCh38, 1-based): chr1:94,044,692, C>A on the plus strand (G>T on the coding strand, the complement: ABCA4 is on the minus strand). VCF-style: chr1-94044692-C-A. GRCh37 (hg19) VCF-style: chr1-94510248-C-A.
Other names: c.2749G>T, p.Gly917Ter (NM_001425324.1); short protein forms G991*, G917*.
Identifiers: ClinVar variation 99183 (VCV000099183.10), dbSNP rs61749455, ClinGen allele CA227062.